The following is an entry in ClinVar:

ClinVar aggregate classification (germline): Uncertain significance. Review status: criteria provided, multiple submitters, no conflicts (2 of 4 stars). 3 submissions from 3 submitters: Uncertain significance (3). Last evaluated 2025-06-11.

Conditions:
Inborn genetic diseases. Identifiers: MedGen C0950123, MeSH D030342.

Allele frequency attached by ClinVar (database versions not stated): TOPMed 0.00001; gnomAD exomes below 0.00001.
gnomAD v4.1: 1 of 1,339,070 alleles (0.000075%); highest among the groups gnomAD compares: Admixed American, 0.0037%; no homozygotes.

Submissions (3):

Ambry Genetics
Classification: Uncertain significance for Inborn genetic diseases. Last evaluated: 2025-06-11. Review status: criteria provided, single submitter. Criteria: Ambry Variant Classification Scheme 2023. Collection method: clinical testing. Allele origin: germline.

Labcorp Genetics (formerly Invitae), Labcorp
Classification: Uncertain significance. Last evaluated: 2022-08-23. Review status: criteria provided, single submitter. Criteria: Invitae Variant Classification Sherloc (09022015). Collection method: clinical testing. Allele origin: germline.
Comment: This sequence change replaces proline, which is neutral and non-polar, with threonine, which is neutral and polar, at codon 664 of the MYO15A protein (p.Pro664Thr). This variant is not present in population databases (gnomAD no frequency). This variant has not been reported in the literature in individuals affected with MYO15A-related conditions. ClinVar contains an entry for this variant (Variation ID: 1300684). Advanced modeling of protein sequence and biophysical properties (such as structural, functional, and spatial information, amino acid conservation, physicochemical variation, residue mobility, and thermodynamic stability) performed at Invitae indicates that this missense variant is not expected to disrupt MYO15A protein function. In summary, the available evidence is currently insufficient to determine the role of this variant in disease. Therefore, it has been classified as a Variant of Uncertain Significance.

GeneDx
Classification: Uncertain significance. Last evaluated: 2021-09-24. Review status: criteria provided, single submitter. Criteria: GeneDx Variant Classification Process June 2021. Collection method: clinical testing. Allele origin: germline. Affected: yes.
Comment: In silico analysis supports that this missense variant does not alter protein structure/function; Has not been previously published as pathogenic or benign to our knowledge

NM_016239.4(MYO15A):c.1990C>A (p.Pro664Thr)

Gene: MYO15A (myosin XVA; plus strand). Cytogenetic location: 17p11.2.
Variant type: single nucleotide variant.
Coding change: c.1990C>A on transcript NM_016239.4 (MANE Select); coding-DNA position 1990, C replaced by A.
Protein change: p.Pro664Thr; replaces proline 664 with threonine.
Molecular consequence: missense variant.
Genome position (GRCh38, 1-based): chr17:18,120,790, C>A. VCF-style: chr17-18120790-C-A. GRCh37 (hg19) VCF-style: chr17-18024104-C-A.
Other names: short protein forms P664T.
Identifiers: ClinVar variation 1300684 (VCV001300684.5), dbSNP rs1252529896, ClinGen allele CA398580699.